The following is an entry in ClinVar:

NM_000059.4(BRCA2):c.3094A>G (p.Lys1032Glu)

Gene: BRCA2 (BRCA2 DNA repair associated; plus strand). Cytogenetic location: 13q13.1.
Variant type: single nucleotide variant.
Coding change: c.3094A>G on transcript NM_000059.4 (MANE Select); coding-DNA position 3094, A replaced by G.
Protein change: p.Lys1032Glu; replaces lysine 1032 with glutamic acid.
Molecular consequence: missense variant. On other transcripts: non-coding transcript variant (1), intron variant (2).
Genome position (GRCh38, 1-based): chr13:32,337,449, A>G. VCF-style: chr13-32337449-A-G. GRCh37 (hg19) VCF-style: chr13-32911586-A-G.
Other names: c.3094A>G, p.Lys1032Glu (NM_001406719.1, NM_001406720.1); c.1909+4062A>G (NM_001406721.1); c.424+6419A>G (NM_001406722.1); short protein forms K1032E.
Identifiers: ClinVar variation 2566023 (VCV002566023.2), dbSNP rs1593898563, ClinGen allele CA387775301.
Genomic context (GRCh38, chr13:32,337,449, plus strand): 5'-GCTTCAAATAAGGAAATCAAGCTCTCTGAACATAACATTAAGAAGAGCAAAATGTTCTTC[A>G]AAGATATTGAAGAACAATATCCTACTAGTTTAGCTTGTGTTGAAATTGTAAATACCTTGG-3'
Protein context (NP_000050.3, residues 1022-1042): HNIKKSKMFF[Lys1032Glu]DIEEQYPTSL

ClinVar aggregate classification (germline): Uncertain significance (1 of 4 stars; one submission).

Conditions:
Hereditary cancer-predisposing syndrome. Also called: Neoplastic Syndromes, Hereditary; Hereditary Cancer Syndrome; Hereditary neoplastic syndrome; Tumor predisposition. Identifiers: Orphanet 140162, MedGen C0027672, MeSH D009386, MONDO:0015356.

Submission:

Ambry Genetics
Classification: Uncertain significance for Hereditary cancer-predisposing syndrome. Last evaluated: 2023-05-06. Review status: criteria provided, single submitter. Criteria: Ambry Variant Classification Scheme 2023. Collection method: clinical testing. Allele origin: germline.
Comment: The p.K1032E variant (also known as c.3094A>G), located in coding exon 10 of the BRCA2 gene, results from an A to G substitution at nucleotide position 3094. The lysine at codon 1032 is replaced by glutamic acid, an amino acid with similar properties. This amino acid position is conserved. In addition, the in silico prediction for this alteration is inconclusive. Since supporting evidence is limited at this time, the clinical significance of this alteration remains unclear.